The following is an entry in ClinVar:

ClinVar aggregate classification (germline): Benign/Likely benign. Review status: criteria provided, multiple submitters, no conflicts (2 of 4 stars). 4 submissions from 4 submitters: Benign (1); Likely benign (1). 2 of the submissions do not count toward it. Last evaluated 2025-12-24.

Conditions:
ATRX-related disorder. Also called: ATRX-related condition.
Alpha thalassemia-X-linked intellectual disability syndrome (ATRX). Also called: ATR-X syndrome; Alpha thalassemia mental retardation syndrome, nondeletion type, X-linked; XLMR hypotonic face syndrome; ALPHA-THALASSEMIA/MENTAL RETARDATION SYNDROME, X-LINKED; ATR, NONDELETION TYPE; X-linked alpha-thalassemia-mental retardation syndrome. Identifiers: Orphanet 847, MedGen C1845055, MONDO:0010519, OMIM 301040.

Allele frequency attached by ClinVar (database versions not stated): gnomAD exomes 0.00002 and 0.00004; TOPMed 0.00002; ExAC 0.00002; gnomAD 0.00003.
gnomAD v4.1: 26 of 1,209,217 alleles (0.0022%); highest among the groups gnomAD compares: Non-Finnish European, 0.0029%; no homozygotes.

Submissions (4):

Labcorp Genetics (formerly Invitae), Labcorp
Classification: Benign for Alpha thalassemia-X-linked intellectual disability syndrome. Last evaluated: 2025-12-24. Review status: criteria provided, single submitter. Criteria: Invitae Variant Classification Sherloc (09022015). Collection method: clinical testing. Allele origin: germline.

GeneDx
Classification: Likely benign. Last evaluated: 2020-02-09. Review status: criteria provided, single submitter. Criteria: GeneDx Variant Classification Process June 2021. Collection method: clinical testing. Allele origin: germline. Affected: yes.

PreventionGenetics, part of Exact Sciences
Classification: Likely benign for ATRX-related condition. Last evaluated: 2024-09-18. Review status: no assertion criteria provided. Collection method: clinical testing. Allele origin: germline. Not counted in ClinVar's aggregate classification.
Comment: This variant is classified as likely benign based on ACMG/AMP sequence variant interpretation guidelines (Richards et al. 2015 PMID: 25741868, with internal and published modifications).

Natera, Inc.
Classification: Likely benign for X-linked alpha-thalassemia-mental retardation syndrome. Last evaluated: 2020-02-10. Review status: no assertion criteria provided. Collection method: clinical testing. Allele origin: germline. Not counted in ClinVar's aggregate classification.

NM_000489.6(ATRX):c.5073A>G (p.Gln1691=)

Gene: ATRX (ATRX chromatin remodeler; minus strand). Cytogenetic location: Xq21.1.
Variant type: single nucleotide variant.
Coding change: c.5073A>G on transcript NM_000489.6 (MANE Select); coding-DNA position 5073, A replaced by G.
Protein change: p.Gln1691=; no amino-acid change (glutamine 1691 retained).
Molecular consequence: synonymous variant.
Genome position (GRCh38, 1-based): chrX:77,633,268, T>C on the plus strand (A>G on the coding strand, the complement: ATRX is on the minus strand). VCF-style: chrX-77633268-T-C. GRCh37 (hg19) VCF-style: chrX-76888756-T-C.
Other names: c.4959A>G, p.Gln1653= (NM_138270.5).
Identifiers: ClinVar variation 699310 (VCV000699310.19), dbSNP rs781845474, ClinGen allele CA10457719.